The following is an entry in ClinVar:

NM_182641.4(BPTF):c.8335_8339delinsTCTTG (p.Glu2779_Leu2780delinsSerCys)

Gene: BPTF (bromodomain PHD finger transcription factor; plus strand). Cytogenetic location: 17q24.2.
Variant type: Indel.
Coding change: c.8335_8339delinsTCTTG on transcript NM_182641.4 (MANE Select); coding-DNA positions 8335 to 8339, GAGCT replaced by TCTTG.
Protein change: p.Glu2779_Leu2780delinsSerCys.
Molecular consequence: missense variant.
Genome position (GRCh38, 1-based): chr17:67,964,285-67,964,289, GAGCT replaced by TCTTG. VCF-style: chr17-67964285-GAGCT-TCTTG. GRCh37 (hg19) VCF-style: chr17-65960401-GAGCT-TCTTG.
Other names: c.8284_8288delinsTCTTG, p.Glu2762_Leu2763delinsSerCys (NM_004459.7).
Identifiers: ClinVar variation 2663293 (VCV002663293.1), dbSNP rs2513277443, ClinGen allele CA2695200329.

ClinVar aggregate classification (germline): Uncertain significance (1 of 4 stars; one submission).

Submission:

GeneDx
Classification: Uncertain significance. Last evaluated: 2023-10-25. Review status: criteria provided, single submitter. Criteria: GeneDx Variant Classification Process June 2021. Collection method: clinical testing. Allele origin: germline. Affected: yes.
Comment: Not observed at significant frequency in large population cohorts (gnomAD); In silico analysis supports a deleterious effect on protein structure/function; Has not been previously published as pathogenic or benign to our knowledge